The following is an entry in ClinVar:

ClinVar aggregate classification (germline): Uncertain significance (1 of 4 stars; one submission).

Submission:

Labcorp Genetics (formerly Invitae), Labcorp
Classification: Uncertain significance. Last evaluated: 2019-12-31. Review status: criteria provided, single submitter. Criteria: Invitae Variant Classification Sherloc (09022015). Collection method: clinical testing. Allele origin: germline.
Comment: This variant is not present in population databases (ExAC no frequency). This variant has not been reported in the literature in individuals with CFAP410-related conditions. Algorithms developed to predict the effect of missense changes on protein structure and function (SIFT, PolyPhen-2, Align-GVGD) all suggest that this variant is likely to be disruptive, but these predictions have not been confirmed by published functional studies and their clinical significance is uncertain. In summary, the available evidence is currently insufficient to determine the role of this variant in disease. Therefore, it has been classified as a Variant of Uncertain Significance. This sequence change replaces cysteine with glycine at codon 61 of the CFAP410 protein (p.Cys61Gly). The cysteine residue is highly conserved and there is a large physicochemical difference between cysteine and glycine.

NM_004928.3(CFAP410):c.181T>G (p.Cys61Gly)

Gene: CFAP410 (cilia and flagella associated protein 410; minus strand). Cytogenetic location: 21q22.3.
Variant type: single nucleotide variant.
Coding change: c.181T>G on transcript NM_004928.3 (MANE Select); coding-DNA position 181, T replaced by G.
Protein change: p.Cys61Gly; replaces cysteine 61 with glycine.
Molecular consequence: missense variant.
Genome position (GRCh38, 1-based): chr21:44,333,225, A>C on the plus strand (T>G on the coding strand, the complement: CFAP410 is on the minus strand). VCF-style: chr21-44333225-A-C. GRCh37 (hg19) VCF-style: chr21-45753108-A-C.
Other names: c.181T>G, p.Cys61Gly (NM_001271440.2, NM_001271441.2); c.58T>G, p.Cys20Gly (NM_001271442.1); short protein forms C20G, C61G.
Identifiers: ClinVar variation 863248 (VCV000863248.10), dbSNP rs2047686233, ClinGen allele CA410457525.
Genomic context (GRCh38, chr21:44,333,225, plus strand): 5'-AGAGCTCAGCCAGGCTGGGGATGCGGTTCCTCCGCAGGTACAGCTCACTCAGGCGCTGGC[A>C]CCGGCTCACAGGCTCCAGGGTGGAGATGCTGTTGACACTGCACGGAGACCAGCACAGTCA-3'
Protein context (NP_004919.1, residues 51-71): SISTLEPVSR[Cys61Gly]QRLSELYLRR